The following is an entry in ClinVar:

ClinVar aggregate classification (germline): Pathogenic (1 of 4 stars; one submission).

Conditions:
Tay-Sachs disease (TSD). Also called: HEXA DEFICIENCY; GM2 gangliosidosis, type 1; Hexosaminidase alpha-subunit deficiency (variant B); Sphingolipidosis, Tay-Sachs; HEXA Disorders; Hexosaminidase A Deficiency. Identifiers: Orphanet 845, MedGen C0039373, MONDO:0010100, OMIM 272800.

Submission:

Labcorp Genetics (formerly Invitae), Labcorp
Classification: Pathogenic for Tay-Sachs disease. Last evaluated: 2021-10-01. Review status: criteria provided, single submitter. Criteria: Invitae Variant Classification Sherloc (09022015). Collection method: clinical testing. Allele origin: germline.
Comment: This sequence change affects a donor splice site in intron 6 of the HEXA gene. RNA analysis indicates that disruption of this splice site induces altered splicing and likely results in a shortened protein product. This variant is not present in population databases (ExAC no frequency). Disruption of this splice site has been observed in individual(s) with clinical features of hexosaminidase A deficiency (PMID: 14566483, 17015493). Studies have shown that disruption of this splice site results in skipping of exon 6, but is expected to preserve the integrity of the reading-frame (PMID: 8490625). For these reasons, this variant has been classified as Pathogenic.

Literature cited by the submitters: PubMed 14566483; PubMed 17015493; PubMed 8490625.

NM_000520.6(HEXA):c.672+2T>C

Gene: HEXA (hexosaminidase subunit alpha; minus strand). Cytogenetic location: 15q23.
Variant type: single nucleotide variant.
Coding change: c.672+2T>C on transcript NM_000520.6 (MANE Select); the canonical splice donor site of the intron after coding-DNA position 672, T replaced by C.
Molecular consequence: splice donor variant.
Genome position (GRCh38, 1-based): chr15:72,351,131, A>G on the plus strand (T>C on the coding strand, the complement: HEXA is on the minus strand). VCF-style: chr15-72351131-A-G. GRCh37 (hg19) VCF-style: chr15-72643472-A-G.
Other names: c.705+2T>C (NM_001318825.2).
Identifiers: ClinVar variation 1423338 (VCV001423338.6), dbSNP rs2140324625, ClinGen allele CA393063415.